The following is an entry in ClinVar:

ClinVar aggregate classification (germline): Uncertain significance. Review status: criteria provided, multiple submitters, no conflicts (2 of 4 stars). 2 submissions from 2 submitters: Uncertain significance (2). Last evaluated 2023-09-07.

Conditions:
Glycogen storage disease, type VII (GSD7). Also called: PFKM DEFICIENCY; TARUI DISEASE; GSD VII; MUSCLE PHOSPHOFRUCTOKINASE DEFICIENCY. Identifiers: Orphanet 371, MedGen C0017926, MONDO:0009295, OMIM 232800.

Allele frequency attached by ClinVar (database versions not stated): gnomAD exomes 0.00001; TOPMed 0.00001; ExAC 0.00002; gnomAD 0.00003; ESP Exome Variant Server 0.00008.
gnomAD v4.1: 17 of 1,614,016 alleles (0.0011%); highest among the groups gnomAD compares: Admixed American, 0.0067%; no homozygotes.

Submissions (2):

ARUP Laboratories, Molecular Genetics and Genomics, ARUP Laboratories
Classification: Uncertain significance for Glycogen storage disease, type VII. Last evaluated: 2023-09-07. Review status: criteria provided, single submitter. Criteria: ARUP Molecular Germline Variant Investigation Process 2024. Collection method: clinical testing. Allele origin: germline.

Labcorp Genetics (formerly Invitae), Labcorp
Classification: Uncertain significance for Glycogen storage disease, type VII. Last evaluated: 2022-07-06. Review status: criteria provided, single submitter. Criteria: Invitae Variant Classification Sherloc (09022015). Collection method: clinical testing. Allele origin: germline.
Comment: This sequence change replaces aspartic acid, which is acidic and polar, with asparagine, which is neutral and polar, at codon 591 of the PFKM protein (p.Asp591Asn). This variant is present in population databases (rs369528330, gnomAD 0.006%). This variant has not been reported in the literature in individuals affected with PFKM-related conditions. Algorithms developed to predict the effect of missense changes on protein structure and function are either unavailable or do not agree on the potential impact of this missense change (SIFT: "Tolerated"; PolyPhen-2: "Probably Damaging"; Align-GVGD: "Class C0"). In summary, the available evidence is currently insufficient to determine the role of this variant in disease. Therefore, it has been classified as a Variant of Uncertain Significance.

NM_000289.6(PFKM):c.1771G>A (p.Asp591Asn)

Gene: PFKM (phosphofructokinase, muscle; plus strand). Cytogenetic location: 12q13.11.
Variant type: single nucleotide variant.
Coding change: c.1771G>A on transcript NM_000289.6 (MANE Select); coding-DNA position 1771, G replaced by A.
Protein change: p.Asp591Asn; replaces aspartic acid 591 with asparagine.
Molecular consequence: missense variant. On other transcripts: non-coding transcript variant (6).
Genome position (GRCh38, 1-based): chr12:48,142,899, G>A. VCF-style: chr12-48142899-G-A. GRCh37 (hg19) VCF-style: chr12-48536682-G-A.
Other names: c.1984G>A, p.Asp662Asn (NM_001166686.2, NM_001354737.1, NM_001354738.1 and 1 more transcripts); c.1771G>A, p.Asp591Asn (NM_001166687.2, NM_001166688.2, NM_001354742.2 and 2 more transcripts); c.2080G>A, p.Asp694Asn (NM_001354735.1, NM_001354736.1); c.1915G>A, p.Asp639Asn (NM_001354740.1); c.1795G>A, p.Asp599Asn (NM_001354741.2); c.1684G>A, p.Asp562Asn (NM_001354745.2); c.1645G>A, p.Asp549Asn (NM_001354746.2); c.1621G>A, p.Asp541Asn (NM_001354747.2, NM_001354748.2); and 1 more; short protein forms D562N, D599N, D639N, D560N, D591N, D662N, D541N, D549N.
Identifiers: ClinVar variation 2196489 (VCV002196489.2), dbSNP rs369528330, ClinGen allele CA6537434.